The following is an entry in ClinVar:

ClinVar aggregate classification (germline): Conflicting classifications of pathogenicity. Review status: criteria provided, conflicting classifications (1 of 4 stars). 4 submissions from 4 submitters: Uncertain significance (1); Likely benign (3). Last evaluated 2026-08-13.

Conditions:
Primary ciliary dyskinesia 23 (CILD23). Also called: CILIARY DYSKINESIA, PRIMARY, 23, WITH OR WITHOUT SITUS INVERSUS. Identifiers: Orphanet 244, MedGen C3809548, MONDO:0014193, OMIM 615451.
Primary ciliary dyskinesia. Also called: Ciliary dyskinesia. Identifiers: Orphanet 244, MedGen C0008780, MONDO:0016575, HP:0012265.
ODAD2-related disorder. Also called: ODAD2-related condition.

Allele frequency attached by ClinVar (database versions not stated): gnomAD exomes 0.00012 and 0.00024; ESP Exome Variant Server 0.00015; 1000 Genomes Project 30x 0.00016; gnomAD 0.00018; TOPMed 0.00018; 1000 Genomes Project 0.00020; ExAC 0.00024.
gnomAD v4.1: 199 of 1,613,832 alleles (0.012%); highest among the groups gnomAD compares: East Asian, 0.16%; 1 homozygote.

Submissions (4):

PreventionGenetics, part of Exact Sciences
Classification: Likely benign for ODAD2-related condition. Last evaluated: 2026-08-13. Review status: criteria provided, single submitter. Criteria: ACMG Guidelines, 2015. Collection method: clinical testing. Allele origin: germline.
Comment: This variant is classified as likely benign based on ACMG/AMP sequence variant interpretation guidelines (Richards et al. 2015 PMID: 25741868, with internal and published modifications).

Labcorp Genetics (formerly Invitae), Labcorp
Classification: Likely benign for Primary ciliary dyskinesia 23. Last evaluated: 2025-05-31. Review status: criteria provided, single submitter. Criteria: Invitae Variant Classification Sherloc (09022015). Collection method: clinical testing. Allele origin: germline.

Blueprint Genetics
Classification: Uncertain significance. Last evaluated: 2024-09-02. Review status: criteria provided, single submitter. Criteria: ACMG Guidelines, 2015. Collection method: clinical testing. Allele origin: germline.

Ambry Genetics
Classification: Likely benign for Primary ciliary dyskinesia. Last evaluated: 2023-05-19. Review status: criteria provided, single submitter. Criteria: Ambry Variant Classification Scheme 2023. Collection method: clinical testing. Allele origin: germline.

NM_018076.5(ODAD2):c.2572G>A (p.Ala858Thr)

Gene: ODAD2 (outer dynein arm docking complex subunit 2; minus strand). Cytogenetic location: 10p12.1.
Variant type: single nucleotide variant.
Coding change: c.2572G>A on transcript NM_018076.5 (MANE Select); coding-DNA position 2572, G replaced by A.
Protein change: p.Ala858Thr; replaces alanine 858 with threonine.
Molecular consequence: missense variant.
Genome position (GRCh38, 1-based): chr10:27,907,701, C>T on the plus strand (G>A on the coding strand, the complement: ODAD2 is on the minus strand). VCF-style: chr10-27907701-C-T. GRCh37 (hg19) VCF-style: chr10-28196630-C-T.
Other names: c.2572G>A, p.Ala858Thr (NM_001290020.2); c.1147G>A, p.Ala383Thr (NM_001290021.2); c.1648G>A, p.Ala550Thr (NM_001312689.2); c.2572G>A (NM_018076.4); short protein forms A550T, A383T, A858T.
Identifiers: ClinVar variation 697699 (VCV000697699.14), dbSNP rs200363248, ClinGen allele CA5453167.